The following is an entry in ClinVar:

NM_022132.5(MCCC2):c.797A>T (p.His266Leu)

Gene: MCCC2 (methylcrotonyl-CoA carboxylase subunit 2; plus strand). Cytogenetic location: 5q13.2.
Variant type: single nucleotide variant.
Coding change: c.797A>T on transcript NM_022132.5 (MANE Select); coding-DNA position 797, A replaced by T.
Protein change: p.His266Leu; replaces histidine 266 with leucine.
Molecular consequence: missense variant.
Genome position (GRCh38, 1-based): chr5:71,632,179, A>T. VCF-style: chr5-71632179-A-T. GRCh37 (hg19) VCF-style: chr5-70928006-A-T.
Other names: c.683A>T, p.His228Leu (NM_001363147.1); short protein forms H228L, H266L.
Identifiers: ClinVar variation 3384221 (VCV003384221.1).

ClinVar aggregate classification (germline): Likely pathogenic (0 of 4 stars; one submission).

Conditions:
3-methylcrotonyl-CoA carboxylase 2 deficiency. Also called: 3 alpha methylcrotonyl-CoA carboxylase 2 deficiency; 3 alpha methylcrotonylglycinuria 2; MCC 2 deficiency; Methylcrotonylglycinuria type 2; METHYLCROTONYLGLYCINURIA, TYPE II. Identifiers: Orphanet 6, MedGen C1859499, MONDO:0008862, OMIM 210210.

gnomAD v4.1: 1 of 1,614,074 alleles (0.000062%); highest among the groups gnomAD compares: Non-Finnish European, 0.000085%; no homozygotes.

Submission:

Clinical Genetics, Synlab MVZ Humangenetik Freiburg
Classification: Likely pathogenic for 3-methylcrotonyl-CoA carboxylase 2 deficiency. Last evaluated: 2023-06-22. Review status: no assertion criteria provided. Collection method: clinical testing. Allele origin: germline. Affected: yes.
Comment: The MCCC2 variant c.797A>T, p.(His266Leu), has previously been described 1x as pathogenic (Stadler et al., 2006, HGMD) and is not listed in control databases (dbSNP, gnomAD v2.1.1). In silico analyses uniformly assess the impact of the p.(His266Leu) change as deleterious (MutationTaster: "deleterious", Polyphen2: "probably damaging"). Assuming that the two variants are in trans constellation, we rate the MCCC2 variant c.797A>T, p.(His266Leu), as probably pathogenic.